The following is an entry in ClinVar:

NC_000006.11:g.(?_129748887)_(129781479_?)del

Gene: LAMA2 (laminin subunit alpha 2; plus strand). Cytogenetic location: 6q22.33.
Variant type: Deletion.
Identifiers: ClinVar variation 1460464 (VCV001460464.5).

ClinVar aggregate classification (germline): Pathogenic (1 of 4 stars; one submission).

Conditions:
LAMA2-related muscular dystrophy (LAMA2-RD). Also called: Laminin alpha 2-related dystrophy. Identifiers: MedGen C5679788, MONDO:0100228.

Submission:

Labcorp Genetics (formerly Invitae), Labcorp
Classification: Pathogenic for LAMA2-related muscular dystrophy. Last evaluated: 2021-08-06. Review status: criteria provided, single submitter. Criteria: Invitae Variant Classification Sherloc (09022015). Collection method: clinical testing. Allele origin: germline.
Comment: This variant is a gross deletion of the genomic region encompassing exon(s) 41-49 of the LAMA2 gene. This deletion is out-of-frame, and is expected to create a premature termination codon and result in an absent or disrupted protein product. Loss-of-function variants in LAMA2 are known to be pathogenic (PMID: 18700894). This variant has not been reported in the literature in individuals affected with LAMA2-related conditions. For these reasons, this variant has been classified as Pathogenic.

Literature cited by the submitters: PubMed 18700894.